The following is an entry in ClinVar:

ClinVar aggregate classification (germline): Uncertain significance (1 of 4 stars; one submission).

Conditions:
Combined immunodeficiency due to DOCK8 deficiency (HIES2). Also called: HIES autosomal recessive; DOCK8 Deficiency; Hyper-IgE recurrent infection syndrome, autosomal recessive; HYPER-IgE RECURRENT INFECTION SYNDROME 2, AUTOSOMAL RECESSIVE; HYPER-IgE SYNDROME 2, AUTOSOMAL RECESSIVE, WITH RECURRENT INFECTIONS. Identifiers: Orphanet 217390, MedGen C4722305, MONDO:0009478, OMIM 243700.

Allele frequency attached by ClinVar (database versions not stated): ExAC 0.00002; TOPMed 0.00003; gnomAD 0.00005.
gnomAD v4.1: 15 of 1,614,046 alleles (0.00093%); highest among the groups gnomAD compares: African/African-American, 0.015%; no homozygotes.

Submission:

Labcorp Genetics (formerly Invitae), Labcorp
Classification: Uncertain significance for Combined immunodeficiency due to DOCK8 deficiency. Last evaluated: 2024-10-28. Review status: criteria provided, single submitter. Criteria: Invitae Variant Classification Sherloc (09022015). Collection method: clinical testing. Allele origin: germline.
Comment: This sequence change affects codon 669 of the DOCK8 mRNA. It is a 'silent' change, meaning that it does not change the encoded amino acid sequence of the DOCK8 protein. It affects a nucleotide within the consensus splice site. This variant is present in population databases (rs757448518, gnomAD 0.01%). This variant has not been reported in the literature in individuals affected with DOCK8-related conditions. ClinVar contains an entry for this variant (Variation ID: 2186587). Algorithms developed to predict the effect of sequence changes on RNA splicing suggest that this variant is not likely to affect RNA splicing. In summary, the available evidence is currently insufficient to determine the role of this variant in disease. Therefore, it has been classified as a Variant of Uncertain Significance.

NM_203447.4(DOCK8):c.2007A>G (p.Ser669=)

Gene: DOCK8 (dedicator of cytokinesis 8; plus strand). Cytogenetic location: 9p24.3.
Variant type: single nucleotide variant.
Coding change: c.2007A>G on transcript NM_203447.4 (MANE Select); coding-DNA position 2007, A replaced by G.
Protein change: p.Ser669=; no amino-acid change (serine 669 retained).
Molecular consequence: synonymous variant.
Genome position (GRCh38, 1-based): chr9:371,566, A>G. VCF-style: chr9-371566-A-G. GRCh37 (hg19) VCF-style: chr9-371566-A-G.
Other names: c.1803A>G, p.Ser601= (NM_001190458.2, NM_001193536.2).
Identifiers: ClinVar variation 2186587 (VCV002186587.4), dbSNP rs757448518, ClinGen allele CA4958020.